The following is an entry in ClinVar:

NM_000245.4(MET):c.2929A>G (p.Thr977Ala)

Gene: MET (MET proto-oncogene, receptor tyrosine kinase; plus strand). Cytogenetic location: 7q31.2.
Variant type: single nucleotide variant.
Coding change: c.2929A>G on transcript NM_000245.4 (MANE Select); coding-DNA position 2929, A replaced by G.
Protein change: p.Thr977Ala; replaces threonine 977 with alanine.
Molecular consequence: missense variant.
Genome position (GRCh38, 1-based): chr7:116,771,890, A>G. VCF-style: chr7-116771890-A-G. GRCh37 (hg19) VCF-style: chr7-116411944-A-G.
Other names: c.2983A>G (LRG_662t1); c.2983A>G, p.Thr995Ala (NM_001127500.3); c.1639A>G, p.Thr547Ala (NM_001324402.2); short protein forms T995A, T977A, T547A.
Identifiers: ClinVar variation 454228 (VCV000454228.9), dbSNP rs1554398378, ClinGen allele CA368987074.

ClinVar aggregate classification (germline): Uncertain significance. Review status: criteria provided, multiple submitters, no conflicts (2 of 4 stars). 2 submissions from 2 submitters: Uncertain significance (2). Last evaluated 2022-06-28.

Conditions:
Renal cell carcinoma. Identifiers: Orphanet 217071, MedGen C0007134, MeSH D002292, MONDO:0005086, HP:0005584.
Hereditary cancer-predisposing syndrome. Also called: Hereditary Cancer Syndrome; Hereditary neoplastic syndrome; Neoplastic Syndromes, Hereditary; Tumor predisposition. Identifiers: Orphanet 140162, MedGen C0027672, MeSH D009386, MONDO:0015356.

Allele frequency attached by ClinVar (database versions not stated): gnomAD exomes 0.00001.
gnomAD v4.1: 4 of 1,613,722 alleles (0.00025%); highest among the groups gnomAD compares: Non-Finnish European, 0.00034%; no homozygotes.

Submissions (2):

Ambry Genetics
Classification: Uncertain significance for Hereditary cancer-predisposing syndrome. Last evaluated: 2022-06-28. Review status: criteria provided, single submitter. Criteria: Ambry Variant Classification Scheme 2023. Collection method: clinical testing. Allele origin: germline.
Comment: The p.T995A variant (also known as c.2983A>G), located in coding exon 13 of the MET gene, results from an A to G substitution at nucleotide position 2983. The threonine at codon 995 is replaced by alanine, an amino acid with similar properties. This amino acid position is conserved. In addition, the in silico prediction for this alteration is inconclusive. Since supporting evidence is limited at this time, the clinical significance of this alteration remains unclear.

Labcorp Genetics (formerly Invitae), Labcorp
Classification: Uncertain significance for Renal cell carcinoma. Last evaluated: 2021-09-01. Review status: criteria provided, single submitter. Criteria: Invitae Variant Classification Sherloc (09022015). Collection method: clinical testing. Allele origin: germline.
Comment: This sequence change replaces threonine with alanine at codon 995 of the MET protein (p.Thr995Ala). The threonine residue is moderately conserved and there is a small physicochemical difference between threonine and alanine. This variant is not present in population databases (ExAC no frequency). This variant has not been reported in the literature in individuals affected with MET-related conditions. Algorithms developed to predict the effect of missense changes on protein structure and function are either unavailable or do not agree on the potential impact of this missense change (SIFT: "Tolerated"; PolyPhen-2: "Probably Damaging"; Align-GVGD: "Class C0"). In summary, the available evidence is currently insufficient to determine the role of this variant in disease. Therefore, it has been classified as a Variant of Uncertain Significance.